The following is an entry in ClinVar:

NM_001371986.1(UNC80):c.4511G>C (p.Ser1504Thr)

Gene: UNC80 (unc-80 subunit of NALCN channel complex; plus strand). Cytogenetic location: 2q34.
Variant type: single nucleotide variant.
Coding change: c.4511G>C on transcript NM_001371986.1 (MANE Select); coding-DNA position 4511, G replaced by C.
Protein change: p.Ser1504Thr; replaces serine 1504 with threonine.
Molecular consequence: missense variant.
Genome position (GRCh38, 1-based): chr2:209,896,343, G>C. VCF-style: chr2-209896343-G-C. GRCh37 (hg19) VCF-style: chr2-210761067-G-C.
Other names: c.4313G>C, p.Ser1438Thr (NM_032504.2); c.4298G>C, p.Ser1433Thr (NM_182587.4); short protein forms S1438T, S1433T, S1504T.
Identifiers: ClinVar variation 1500000 (VCV001500000.8), dbSNP rs1245043035, ClinGen allele CA350751922.

ClinVar aggregate classification (germline): Uncertain significance (1 of 4 stars; one submission).

Submission:

Labcorp Genetics (formerly Invitae), Labcorp
Classification: Uncertain significance. Last evaluated: 2024-02-24. Review status: criteria provided, single submitter. Criteria: Invitae Variant Classification Sherloc (09022015). Collection method: clinical testing. Allele origin: germline.
Comment: This sequence change replaces serine, which is neutral and polar, with threonine, which is neutral and polar, at codon 1438 of the UNC80 protein (p.Ser1438Thr). This variant is not present in population databases (gnomAD no frequency). This variant has not been reported in the literature in individuals affected with UNC80-related conditions. ClinVar contains an entry for this variant (Variation ID: 1500000). Advanced modeling of protein sequence and biophysical properties (such as structural, functional, and spatial information, amino acid conservation, physicochemical variation, residue mobility, and thermodynamic stability) performed at Invitae indicates that this missense variant is not expected to disrupt UNC80 protein function with a negative predictive value of 80%. In summary, the available evidence is currently insufficient to determine the role of this variant in disease. Therefore, it has been classified as a Variant of Uncertain Significance.